The following is an entry in ClinVar:

ClinVar aggregate classification (germline): Uncertain significance (1 of 4 stars; one submission).

gnomAD v4.1: 14 of 1,614,016 alleles (0.00087%); highest among the groups gnomAD compares: Non-Finnish European, 0.001%; no homozygotes.

Submission:

Labcorp Genetics (formerly Invitae), Labcorp
Classification: Uncertain significance. Last evaluated: 2024-05-15. Review status: criteria provided, single submitter. Criteria: Invitae Variant Classification Sherloc (09022015). Collection method: clinical testing. Allele origin: germline.
Comment: This sequence change replaces isoleucine, which is neutral and non-polar, with valine, which is neutral and non-polar, at codon 799 of the FLNB protein (p.Ile799Val). This variant is not present in population databases (gnomAD no frequency). This variant has not been reported in the literature in individuals affected with FLNB-related conditions. Advanced modeling of protein sequence and biophysical properties (such as structural, functional, and spatial information, amino acid conservation, physicochemical variation, residue mobility, and thermodynamic stability) performed at Invitae indicates that this missense variant is not expected to disrupt FLNB protein function with a negative predictive value of 95%. In summary, the available evidence is currently insufficient to determine the role of this variant in disease. Therefore, it has been classified as a Variant of Uncertain Significance.

NM_001457.4(FLNB):c.2395A>G (p.Ile799Val)

Gene: FLNB (filamin B; plus strand). Cytogenetic location: 3p14.3.
Variant type: single nucleotide variant.
Coding change: c.2395A>G on transcript NM_001457.4 (MANE Select); coding-DNA position 2395, A replaced by G.
Protein change: p.Ile799Val; replaces isoleucine 799 with valine.
Molecular consequence: missense variant.
Genome position (GRCh38, 1-based): chr3:58,110,081, A>G. VCF-style: chr3-58110081-A-G. GRCh37 (hg19) VCF-style: chr3-58095808-A-G.
Other names: c.2395A>G, p.Ile799Val (NM_001164317.2, NM_001164318.2, NM_001164319.2); short protein forms I799V.
Identifiers: ClinVar variation 3630443 (VCV003630443.2).